The following is an entry in ClinVar:

NM_002334.4(LRP4):c.839G>T (p.Gly280Val)

Gene: LRP4 (LDL receptor related protein 4; minus strand). Cytogenetic location: 11p11.2.
Variant type: single nucleotide variant.
Coding change: c.839G>T on transcript NM_002334.4 (MANE Select); coding-DNA position 839, G replaced by T.
Protein change: p.Gly280Val; replaces glycine 280 with valine.
Molecular consequence: missense variant.
Genome position (GRCh38, 1-based): chr11:46,896,952, C>A on the plus strand (G>T on the coding strand, the complement: LRP4 is on the minus strand). VCF-style: chr11-46896952-C-A. GRCh37 (hg19) VCF-style: chr11-46918503-C-A.
Other names: short protein forms G280V.
Identifiers: ClinVar variation 4782319 (VCV004782319.1).
Genomic context (GRCh38, chr11:46,896,952, plus strand): 5'-TCGCTGTTGTCTGCACAGTCGTCCTCCCCATCACAGCGCCAGGACAGGCGGACACAGCGG[C>A]CTGAGTGACAGCGGAACTGTTCTGCCGTACACATGGAGGTGGCTGGGCAAAGCAAAGGCT-3'
Protein context (NP_002325.2, residues 270-290): CTAEQFRCHS[Gly280Val]RCVRLSWRCD

ClinVar aggregate classification (germline): Uncertain significance (1 of 4 stars; one submission).

Conditions:
Cenani-Lenz syndactyly syndrome. Also called: CENANI SYNDACTYLISM; SYNDACTYLY, TYPE VII. Identifiers: Orphanet 3258, MedGen C1859309, MONDO:0008931, OMIM 212780.
Sclerosteosis 2 (SOST2). Identifiers: Orphanet 3152, MedGen C3280402, MONDO:0013679, OMIM 614305.
Congenital myasthenic syndrome 17. Identifiers: Orphanet 590, MedGen C4225377, MONDO:0014578, OMIM 616304.

gnomAD v4.1: 4 of 1,614,252 alleles (0.00025%); highest among the groups gnomAD compares: Admixed American, 0.0033%; no homozygotes.

Submission:

Labcorp Genetics (formerly Invitae), Labcorp
Classification: Uncertain significance for Cenani-Lenz syndactyly syndrome; Sclerosteosis 2; Congenital myasthenic syndrome 17. Last evaluated: 2026-01-01. Review status: criteria provided, single submitter. Criteria: Invitae Variant Classification Sherloc (09022015). Collection method: clinical testing. Allele origin: germline.
Comment: This sequence change replaces glycine, which is neutral and non-polar, with valine, which is neutral and non-polar, at codon 280 of the LRP4 protein (p.Gly280Val). This variant is present in population databases (no rsID available, gnomAD 0.006%). This variant has not been reported in the literature in individuals affected with LRP4-related conditions. An algorithm developed to predict the effect of missense changes on protein structure and function (PolyPhen-2) suggests that this variant is likely to be disruptive. In summary, the available evidence is currently insufficient to determine the role of this variant in disease. Therefore, it has been classified as a Variant of Uncertain Significance.